The following is an entry in ClinVar:

NM_005996.4(TBX3):c.1149C>G (p.Pro383=)

Gene: TBX3 (T-box transcription factor 3; minus strand). Cytogenetic location: 12q24.21.
Variant type: single nucleotide variant.
Coding change: c.1149C>G on transcript NM_005996.4 (MANE Select); coding-DNA position 1149, C replaced by G.
Protein change: p.Pro383=; no amino-acid change (proline 383 retained).
Molecular consequence: synonymous variant.
Genome position (GRCh38, 1-based): chr12:114,674,726, G>C on the plus strand (C>G on the coding strand, the complement: TBX3 is on the minus strand). VCF-style: chr12-114674726-G-C. GRCh37 (hg19) VCF-style: chr12-115112531-G-C.
Other names: c.1209C>G, p.Pro403= (NM_016569.4); c.1209C>G (NM_016569.3).
Identifiers: ClinVar variation 784912 (VCV000784912.9), dbSNP rs372996166, ClinGen allele CA6809983.

ClinVar aggregate classification (germline): Likely benign. Review status: criteria provided, single submitter (1 of 4 stars). 2 submissions from 2 submitters: Likely benign (1). 1 of the submissions does not count toward it. Last evaluated 2025-07-23.

Conditions:
Ulnar-mammary syndrome (UMS). Also called: PALLISTER ULNAR-MAMMARY SYNDROME; SCHINZEL SYNDROME; Ulnar-mammary syndrome of Pallister. Identifiers: Orphanet 3138, MedGen C1866994, MONDO:0008411, OMIM 181450.
TBX3-related disorder. Also called: TBX3-related condition.

Allele frequency attached by ClinVar (database versions not stated): gnomAD exomes 0.00007; ESP Exome Variant Server 0.00008; TOPMed 0.00016; ExAC 0.00017; gnomAD 0.00018 and 0.00019; 1000 Genomes Project 30x 0.00031.
gnomAD v4.1: 67 of 1,599,324 alleles (0.0042%); highest among the groups gnomAD compares: African/African-American, 0.056%; no homozygotes.

Submissions (2):

Labcorp Genetics (formerly Invitae), Labcorp
Classification: Likely benign for Ulnar-mammary syndrome. Last evaluated: 2025-07-23. Review status: criteria provided, single submitter. Criteria: Invitae Variant Classification Sherloc (09022015). Collection method: clinical testing. Allele origin: germline.

PreventionGenetics, part of Exact Sciences
Classification: Likely benign for TBX3-related condition. Last evaluated: 2021-11-11. Review status: no assertion criteria provided. Collection method: clinical testing. Allele origin: germline. Not counted in ClinVar's aggregate classification.
Comment: This variant is classified as likely benign based on ACMG/AMP sequence variant interpretation guidelines (Richards et al. 2015 PMID: 25741868, with internal and published modifications).